The following is an entry in ClinVar:

NM_001080442.3(SLC38A8):c.77C>T (p.Ser26Leu)

Gene: SLC38A8 (solute carrier family 38 member 8; minus strand). Cytogenetic location: 16q23.3.
Variant type: single nucleotide variant.
Coding change: c.77C>T on transcript NM_001080442.3 (MANE Select); coding-DNA position 77, C replaced by T.
Protein change: p.Ser26Leu; replaces serine 26 with leucine.
Molecular consequence: missense variant.
Genome position (GRCh38, 1-based): chr16:84,042,081, G>A on the plus strand (C>T on the coding strand, the complement: SLC38A8 is on the minus strand). VCF-style: chr16-84042081-G-A. GRCh37 (hg19) VCF-style: chr16-84075686-G-A.
Other names: c.77C>T (NM_001080442.1); short protein forms S26L.
Identifiers: ClinVar variation 2181975 (VCV002181975.3), dbSNP rs547189827, ClinGen allele CA8200538.

ClinVar aggregate classification (germline): Uncertain significance. Review status: criteria provided, multiple submitters, no conflicts (2 of 4 stars). 2 submissions from 2 submitters: Uncertain significance (2). Last evaluated 2025-12-26.

Conditions:
Inborn genetic diseases. Identifiers: MedGen C0950123, MeSH D030342.

Allele frequency attached by ClinVar (database versions not stated): gnomAD 0.00004; ExAC 0.00013; 1000 Genomes Project 30x 0.00016; 1000 Genomes Project 0.00020.
gnomAD v4.1: 79 of 1,614,072 alleles (0.0049%); highest among the groups gnomAD compares: South Asian, 0.06%; no homozygotes.

Submissions (2):

Labcorp Genetics (formerly Invitae), Labcorp
Classification: Uncertain significance. Last evaluated: 2025-12-26. Review status: criteria provided, single submitter. Criteria: Invitae Variant Classification Sherloc (09022015). Collection method: clinical testing. Allele origin: germline.
Comment: This sequence change replaces serine, which is neutral and polar, with leucine, which is neutral and non-polar, at codon 26 of the SLC38A8 protein (p.Ser26Leu). This variant is present in population databases (rs547189827, gnomAD 0.06%). This variant has not been reported in the literature in individuals affected with SLC38A8-related conditions. ClinVar contains an entry for this variant (Variation ID: 2181975). Invitae Evidence Modeling of protein sequence and biophysical properties (such as structural, functional, and spatial information, amino acid conservation, physicochemical variation, residue mobility, and thermodynamic stability) indicates that this missense variant is not expected to disrupt SLC38A8 protein function with a negative predictive value of 80%. In summary, the available evidence is currently insufficient to determine the role of this variant in disease. Therefore, it has been classified as a Variant of Uncertain Significance.

Ambry Genetics
Classification: Uncertain significance for Inborn genetic diseases. Last evaluated: 2024-12-17. Review status: criteria provided, single submitter. Criteria: Ambry Variant Classification Scheme 2023. Collection method: clinical testing. Allele origin: germline.